The following is an entry in ClinVar:

ClinVar aggregate classification (germline): Uncertain significance (1 of 4 stars; one submission).

Conditions:
Fanconi anemia (FA). Also called: Fanconi's anemia. Identifiers: Orphanet 84, MedGen C0015625, MeSH D005199, MONDO:0019391.

Submission:

Labcorp Genetics (formerly Invitae), Labcorp
Classification: Uncertain significance for Fanconi anemia. Last evaluated: 2023-05-01. Review status: criteria provided, single submitter. Criteria: Invitae Variant Classification Sherloc (09022015). Collection method: clinical testing. Allele origin: germline.
Comment: In summary, the available evidence is currently insufficient to determine the role of this variant in disease. Therefore, it has been classified as a Variant of Uncertain Significance. An algorithm developed to predict the effect of missense changes on protein structure and function (PolyPhen-2) suggests that this variant is likely to be tolerated. This variant has not been reported in the literature in individuals affected with FANCI-related conditions. This variant is not present in population databases (gnomAD no frequency). This sequence change replaces phenylalanine, which is neutral and non-polar, with leucine, which is neutral and non-polar, at codon 871 of the FANCI protein (p.Phe871Leu).

NM_001113378.2(FANCI):c.2611T>C (p.Phe871Leu)

Gene: FANCI (FA complementation group I; plus strand). Cytogenetic location: 15q26.1.
Variant type: single nucleotide variant.
Coding change: c.2611T>C on transcript NM_001113378.2 (MANE Select); coding-DNA position 2611, T replaced by C.
Protein change: p.Phe871Leu; replaces phenylalanine 871 with leucine.
Molecular consequence: missense variant. On other transcripts: intron variant (1).
Genome position (GRCh38, 1-based): chr15:89,295,069, T>C. VCF-style: chr15-89295069-T-C. GRCh37 (hg19) VCF-style: chr15-89838300-T-C.
Other names: c.2332T>C, p.Phe778Leu (NM_001376910.1); c.2611T>C, p.Phe871Leu (NM_001376911.1); c.2456+1072T>C (NM_018193.3); short protein forms F778L, F871L.
Identifiers: ClinVar variation 2919708 (VCV002919708.3), dbSNP rs2507514057, ClinGen allele CA393751100.